The following is an entry in ClinVar:

ClinVar aggregate classification (germline): Likely benign. Review status: reviewed by expert panel (3 of 4 stars). 5 submissions from 5 submitters: Likely benign (1). 4 of the submissions do not count toward it. Last evaluated 2017-06-29.

Conditions:
Hereditary breast ovarian cancer syndrome. Also called: Hereditary breast and ovarian cancer syndrome (HBOC); BRCA1- and BRCA2-Associated Hereditary Breast and Ovarian Cancer; Hereditary breast and/or ovarian cancer syndrome; Hereditary breast and ovarian cancer syndrome; Hereditary breast and ovarian cancer; Breast and ovarian cancer. Identifiers: Orphanet 145, MedGen C0677776, MeSH D061325, MONDO:0003582. Disease mechanism: loss of function.
Hereditary cancer-predisposing syndrome. Also called: Neoplastic Syndromes, Hereditary; Hereditary neoplastic syndrome; Tumor predisposition; Hereditary Cancer Syndrome. Identifiers: Orphanet 140162, MedGen C0027672, MeSH D009386, MONDO:0015356.
Breast-ovarian cancer, familial, susceptibility to, 1 (BROVCA1). Also called: BRCA1 Hereditary Breast and Ovarian Cancer; OVARIAN CANCER, SUSCEPTIBILITY TO. Identifiers: Orphanet 145, MedGen C2676676, MONDO:0011450, OMIM 604370. Disease mechanism: loss of function.

Allele frequency attached by ClinVar (database versions not stated): gnomAD exomes below 0.00001; TOPMed below 0.00001; ExAC 0.00001; gnomAD 0.00001; 1000 Genomes Project 30x 0.00016; 1000 Genomes Project 0.00020.
gnomAD v4.1: 7 of 1,613,184 alleles (0.00043%); highest among the groups gnomAD compares: South Asian, 0.0033%; no homozygotes.

Submissions (5):

Evidence-based Network for the Interpretation of Germline Mutant Alleles (ENIGMA)
Classification: Likely benign for Breast-ovarian cancer, familial, susceptibility to, 1. Last evaluated: 2017-06-29. Review status: reviewed by expert panel. Criteria: ENIGMA BRCA1/2 Classification Criteria (2017-06-29). Collection method: curation. Allele origin: germline.
Comment: Synonymous substitution variant, with low bioinformatic likelihood to result in a splicing aberration (Splicing prior probability 0.02).

Labcorp Genetics (formerly Invitae), Labcorp
Classification: Likely benign for Hereditary breast ovarian cancer syndrome. Last evaluated: 2025-11-17. Review status: criteria provided, single submitter. Criteria: Invitae Variant Classification Sherloc (09022015). Collection method: clinical testing. Allele origin: germline. Not counted in ClinVar's aggregate classification.

Ambry Genetics
Classification: Likely benign for Hereditary cancer-predisposing syndrome. Last evaluated: 2020-02-27. Review status: criteria provided, single submitter. Criteria: Ambry Variant Classification Scheme 2023. Collection method: clinical testing. Allele origin: germline. Not counted in ClinVar's aggregate classification.

Quest Diagnostics Nichols Institute San Juan Capistrano
Classification: Likely benign. Last evaluated: 2019-06-12. Review status: criteria provided, single submitter. Criteria: Quest Diagnostics criteria. Collection method: clinical testing. Allele origin: germline. Not counted in ClinVar's aggregate classification.

Color Diagnostics, LLC DBA Color Health
Classification: Likely benign for Hereditary cancer-predisposing syndrome. Last evaluated: 2016-09-20. Review status: criteria provided, single submitter. Criteria: ACMG Guidelines, 2015. Collection method: clinical testing. Allele origin: germline. Not counted in ClinVar's aggregate classification.

Literature cited by the submitters: PubMed 16267036 (cited by Ambry Genetics).

NM_007294.4(BRCA1):c.1722C>T (p.Leu574=)

Gene: BRCA1 (BRCA1 DNA repair associated; minus strand). Cytogenetic location: 17q21.31.
Variant type: single nucleotide variant.
Coding change: c.1722C>T on transcript NM_007294.4 (MANE Select); coding-DNA position 1722, C replaced by T.
Protein change: p.Leu574=; no amino-acid change (leucine 574 retained).
Molecular consequence: synonymous variant. On other transcripts: intron variant (137).
Genome position (GRCh38, 1-based): chr17:43,093,809, G>A on the plus strand (C>T on the coding strand, the complement: BRCA1 is on the minus strand). VCF-style: chr17-43093809-G-A. GRCh37 (hg19) VCF-style: chr17-41245826-G-A.
Other names: c.1722C>T, p.Leu574= (NM_001407585.1, NM_001407593.1, NM_001407594.1 and 30 more transcripts); c.1719C>T, p.Leu573= (NM_001407587.1, NM_001407590.1, NM_001407591.1 and 22 more transcripts); c.1713C>T, p.Leu571= (NM_001407646.1, NM_001407647.1); c.1599C>T, p.Leu533= (NM_001407648.1, NM_001407664.1, NM_001407665.1 and 19 more transcripts); c.1596C>T, p.Leu532= (NM_001407649.1, NM_001407670.1, NM_001407671.1 and 11 more transcripts); c.1644C>T, p.Leu548= (NM_001407653.1, NM_001407654.1, NM_001407655.1 and 4 more transcripts); c.1641C>T, p.Leu547= (NM_001407659.1, NM_001407660.1, NM_001407661.1 and 1 more transcripts); c.1581C>T, p.Leu527= (NM_001407692.1, NM_001407694.1, NM_001407695.1 and 29 more transcripts); and 40 more.
Identifiers: ClinVar variation 427326 (VCV000427326.19), dbSNP rs530914551, ClinGen allele CA057460.
Genomic context (GRCh38, chr17:43,093,809, plus strand): 5'-CATATTGCTTATACTGCTGCTTATAGGTTCAGCTTTCGTTTTGAAAGCAGATTCTTTTTC[G>A]AGTGATTCTATTGGGTTAGGATTTTTCTCATTCTGAATAGAATCACCTTTTGTTTTATTC-3'
Protein context (NP_009225.1, residues 564-584): NEKNPNPIES[Leu574=]EKESAFKTKA